The following is an entry in ClinVar:

NM_000381.4(MID1):c.1523G>A (p.Arg508His)

Gene: MID1 (midline 1; minus strand). Cytogenetic location: Xp22.2.
Variant type: single nucleotide variant.
Coding change: c.1523G>A on transcript NM_000381.4 (MANE Select); coding-DNA position 1523, G replaced by A.
Protein change: p.Arg508His; replaces arginine 508 with histidine.
Molecular consequence: missense variant.
Genome position (GRCh38, 1-based): chrX:10,455,002, C>T on the plus strand (G>A on the coding strand, the complement: MID1 is on the minus strand). VCF-style: chrX-10455002-C-T. GRCh37 (hg19) VCF-style: chrX-10423042-C-T.
Other names: c.1523G>A, p.Arg508His (NM_001098624.2, NM_001193277.1, NM_001347733.2 and 1 more transcripts); c.1409G>A, p.Arg470His (NM_033289.2); short protein forms R470H, R508H.
Identifiers: ClinVar variation 4860042 (VCV004860042.1).

ClinVar aggregate classification (germline): Uncertain significance (1 of 4 stars; one submission).

Conditions:
Inborn genetic diseases. Identifiers: MedGen C0950123, MeSH D030342.

gnomAD v4.1: 3 of 1,208,772 alleles (0.00025%); highest among the groups gnomAD compares: African/African-American, 0.0035%; no homozygotes.

Submission:

Ambry Genetics
Classification: Uncertain significance for Inborn genetic diseases. Last evaluated: 2026-05-26. Review status: criteria provided, single submitter. Criteria: Ambry Variant Classification Scheme 2023. Collection method: clinical testing. Allele origin: germline.
Comment: The c.1523G>A (p.R508H) alteration is located in exon 9 (coding exon 8) of the MID1 gene. This alteration results from a G to A substitution at nucleotide position 1523, causing the arginine (R) at amino acid position 508 to be replaced by a histidine (H). Based on data from gnomAD, the A allele has an overall frequency of <0.001% (1/183228) total alleles studied. The highest observed frequency was 0.008% (1/13163) of African alleles. Based on insufficient or conflicting evidence, the clinical significance of this alteration remains unclear.